The following is an entry in ClinVar:

ClinVar aggregate classification (germline): Likely benign (0 of 4 stars; one submission).

Conditions:
DDOST-related disorder. Also called: DDOST-related condition.

Submission:

PreventionGenetics, part of Exact Sciences
Classification: Likely benign for DDOST-related condition. Last evaluated: 2019-12-03. Review status: no assertion criteria provided. Collection method: clinical testing. Allele origin: germline.
Comment: This variant is classified as likely benign based on ACMG/AMP sequence variant interpretation guidelines (Richards et al. 2015 PMID: 25741868, with internal and published modifications).

NM_005216.5(DDOST):c.66G>C (p.Ala22=)

Gene: DDOST (dolichyl-diphosphooligosaccharide--protein glycosyltransferase non-catalytic subunit; minus strand). Cytogenetic location: 1p36.12.
Variant type: single nucleotide variant.
Coding change: c.66G>C on transcript NM_005216.5 (MANE Select); coding-DNA position 66, G replaced by C.
Protein change: p.Ala22=; no amino-acid change (alanine 22 retained).
Molecular consequence: synonymous variant.
Genome position (GRCh38, 1-based): chr1:20,661,285, C>G on the plus strand (G>C on the coding strand, the complement: DDOST is on the minus strand). VCF-style: chr1-20661285-C-G. GRCh37 (hg19) VCF-style: chr1-20987778-C-G.
Identifiers: ClinVar variation 3048508 (VCV003048508.2), dbSNP rs17837938, ClinGen allele CA661376.
Genomic context (GRCh38, chr1:20,661,285, plus strand): 5'-AGTCTCCCGCACGTTGAGGTTGTCCAGCAGCACTAAGGTGCGGGGTCCGCTGGCGCAAAC[C>G]GCGCCAAGCAAGGGCAGCAGCAACCAAAAGAGGGCCCAAGCCCGGGCCGCGGTGCTGGGC-3'
Protein context (NP_005207.3, residues 12-32): LFWLLLPLLG[Ala22=]VCASGPRTLV